The following is an entry in ClinVar:

NM_194248.3(OTOF):c.2332G>A (p.Ala778Thr)

Gene: OTOF (otoferlin; minus strand). Cytogenetic location: 2p23.3.
Variant type: single nucleotide variant.
Coding change: c.2332G>A on transcript NM_194248.3 (MANE Select); coding-DNA position 2332, G replaced by A.
Protein change: p.Ala778Thr; replaces alanine 778 with threonine.
Molecular consequence: missense variant.
Genome position (GRCh38, 1-based): chr2:26,477,490, C>T on the plus strand (G>A on the coding strand, the complement: OTOF is on the minus strand). VCF-style: chr2-26477490-C-T. GRCh37 (hg19) VCF-style: chr2-26700358-C-T.
Other names: c.2332G>A, p.Ala778Thr (NM_001287489.2); c.91G>A, p.Ala31Thr (NM_004802.4, NM_194323.3); c.262G>A, p.Ala88Thr (NM_194322.3); c.2332G>A (NM_194248.2); short protein forms A31T, A778T, A88T.
Identifiers: ClinVar variation 2663308 (VCV002663308.3), dbSNP rs754243402, ClinGen allele CA1563946.

ClinVar aggregate classification (germline): Uncertain significance. Review status: criteria provided, multiple submitters, no conflicts (2 of 4 stars). 3 submissions from 3 submitters: Uncertain significance (3). Last evaluated 2024-10-10.

Conditions:
Inborn genetic diseases. Identifiers: MedGen C0950123, MeSH D030342.

Allele frequency attached by ClinVar (database versions not stated): gnomAD 0.00005.

Submissions (3):

Blueprint Genetics
Classification: Uncertain significance. Last evaluated: 2024-10-10. Review status: criteria provided, single submitter. Criteria: ACMG Guidelines, 2015. Collection method: clinical testing. Allele origin: germline.

Ambry Genetics
Classification: Uncertain significance for Inborn genetic diseases. Last evaluated: 2024-02-21. Review status: criteria provided, single submitter. Criteria: Ambry Variant Classification Scheme 2023. Collection method: clinical testing. Allele origin: germline.

GeneDx
Classification: Uncertain significance. Last evaluated: 2023-09-29. Review status: criteria provided, single submitter. Criteria: GeneDx Variant Classification Process June 2021. Collection method: clinical testing. Allele origin: germline. Affected: yes.
Comment: Not observed at significant frequency in large population cohorts (gnomAD); In silico analysis supports that this missense variant does not alter protein structure/function; Has not been previously published as pathogenic or benign to our knowledge